The following is an entry in ClinVar:

NM_001290060.2(SEMA3B):c.1203T>A (p.Phe401Leu)

Gene: SEMA3B (semaphorin 3B; plus strand). Cytogenetic location: 3p21.31.
Variant type: single nucleotide variant.
Coding change: c.1203T>A on transcript NM_001290060.2 (MANE Select); coding-DNA position 1203, T replaced by A.
Protein change: p.Phe401Leu; replaces phenylalanine 401 with leucine.
Molecular consequence: missense variant. On other transcripts: non-coding transcript variant (1).
Genome position (GRCh38, 1-based): chr3:50,274,428, T>A. VCF-style: chr3-50274428-T-A. GRCh37 (hg19) VCF-style: chr3-50311859-T-A.
Other names: c.1200T>A, p.Phe400Leu (NM_001005914.3, NM_001435957.1, NM_001435958.1); c.1218T>A, p.Phe406Leu (NM_001290061.1); c.174T>A, p.Phe58Leu (NM_001290062.2, NM_001290063.2); c.1203T>A, p.Phe401Leu (NM_001435956.1, NM_004636.4); short protein forms F400L, F401L, F406L, F58L.
Identifiers: ClinVar variation 4988412 (VCV004988412.1).

ClinVar aggregate classification (germline): Uncertain significance (1 of 4 stars; one submission).

Conditions:
SEMA3B-related disorder. Also called: SEMA3B-related condition.

gnomAD v4.1: 2 of 1,514,278 alleles (0.00013%); highest among the groups gnomAD compares: Non-Finnish European, 0.000088%; no homozygotes.

Submission:

PreventionGenetics, part of Exact Sciences
Classification: Uncertain significance for SEMA3B-related condition. Last evaluated: 2026-03-05. Review status: criteria provided, single submitter. Criteria: ACMG Guidelines, 2015. Collection method: clinical testing. Allele origin: germline.
Comment: The SEMA3B c.1218T>A variant is predicted to result in the amino acid substitution p.Phe406Leu. To our knowledge, this variant has not been reported in the literature or in a large population database (gnomAD), indicating this variant is rare. At this time, the clinical significance of this variant is uncertain due to the absence of conclusive functional and genetic evidence.